The following is an entry in ClinVar:

NM_006393.3(NEBL):c.499G>A (p.Val167Met)

Gene: NEBL (nebulette; minus strand). Cytogenetic location: 10p12.31.
Variant type: single nucleotide variant.
Coding change: c.499G>A on transcript NM_006393.3 (MANE Select); coding-DNA position 499, G replaced by A.
Protein change: p.Val167Met; replaces valine 167 with methionine.
Molecular consequence: missense variant. On other transcripts: intron variant (9).
Genome position (GRCh38, 1-based): chr10:20,869,823, C>T on the plus strand (G>A on the coding strand, the complement: NEBL is on the minus strand). VCF-style: chr10-20869823-C-T. GRCh37 (hg19) VCF-style: chr10-21158752-C-T.
Other names: c.250-56883G>A (NM_001377326.1, NM_001377327.1, NM_001377328.1); c.358-56883G>A (NM_213569.2, NM_001173484.2, NM_001377322.1); c.301-56883G>A (NM_001377324.1); c.292-56883G>A (NM_001377325.1); c.310-56883G>A (NM_001377323.1); short protein forms V167M.
Identifiers: ClinVar variation 3918549 (VCV003918549.1).

ClinVar aggregate classification (germline): Uncertain significance (1 of 4 stars; one submission).

gnomAD v4.1: 14 of 1,611,936 alleles (0.00087%); highest among the groups gnomAD compares: South Asian, 0.0077%; no homozygotes.

Submission:

Ambry Genetics
Classification: Uncertain significance. Last evaluated: 2025-04-30. Review status: criteria provided, single submitter. Criteria: Ambry Variant Classification Scheme 2023. Collection method: clinical testing. Allele origin: germline.
Comment: The p.V167M variant (also known as c.499G>A), located in coding exon 6 of the NEBL gene, results from a G to A substitution at nucleotide position 499. The valine at codon 167 is replaced by methionine, an amino acid with highly similar properties. This amino acid position is conserved. In addition, this alteration is predicted to be tolerated by in silico analysis. Based on the available evidence, the clinical significance of this variant remains unclear.